The following is an entry in ClinVar:

ClinVar aggregate classification (germline): Likely benign. Review status: criteria provided, multiple submitters, no conflicts (2 of 4 stars). 3 submissions from 3 submitters: Likely benign (2). 1 of the submissions does not count toward it. Last evaluated 2025-10-21.

Conditions:
FAT4-related disorder. Also called: FAT4-related condition.

Allele frequency attached by ClinVar (database versions not stated): TOPMed 0.00003; gnomAD exomes 0.00004 and 0.00005; gnomAD 0.00005 and 0.00007; ExAC 0.00007.
gnomAD v4.1: 78 of 1,614,042 alleles (0.0048%); highest among the groups gnomAD compares: Non-Finnish European, 0.0064%; no homozygotes.

Submissions (3):

Labcorp Genetics (formerly Invitae), Labcorp
Classification: Likely benign. Last evaluated: 2025-10-21. Review status: criteria provided, single submitter. Criteria: Invitae Variant Classification Sherloc (09022015). Collection method: clinical testing. Allele origin: germline.

Blueprint Genetics
Classification: Likely benign. Last evaluated: 2024-11-19. Review status: criteria provided, single submitter. Criteria: ACMG Guidelines, 2015. Collection method: clinical testing. Allele origin: germline.

PreventionGenetics, part of Exact Sciences
Classification: Likely benign for FAT4-related condition. Last evaluated: 2020-08-04. Review status: no assertion criteria provided. Collection method: clinical testing. Allele origin: germline. Not counted in ClinVar's aggregate classification.
Comment: This variant is classified as likely benign based on ACMG/AMP sequence variant interpretation guidelines (Richards et al. 2015 PMID: 25741868, with internal and published modifications).

NM_001291303.3(FAT4):c.4797C>A (p.Leu1599=)

Gene: FAT4 (FAT atypical cadherin 4; plus strand). Cytogenetic location: 4q28.1.
Variant type: single nucleotide variant.
Coding change: c.4797C>A on transcript NM_001291303.3 (MANE Select); coding-DNA position 4797, C replaced by A.
Protein change: p.Leu1599=; no amino-acid change (leucine 1599 retained).
Molecular consequence: synonymous variant.
Genome position (GRCh38, 1-based): chr4:125,321,208, C>A. VCF-style: chr4-125321208-C-A. GRCh37 (hg19) VCF-style: chr4-126242363-C-A.
Other names: c.4797C>A, p.Leu1599= (NM_001291285.3, NM_024582.6); c.4797C>A (NM_024582.4).
Identifiers: ClinVar variation 1621188 (VCV001621188.11), dbSNP rs746466001, ClinGen allele CA3072520.